The following is an entry in ClinVar:

ClinVar aggregate classification (germline): Uncertain significance (1 of 4 stars; one submission).

Submission:

Labcorp Genetics (formerly Invitae), Labcorp
Classification: Uncertain significance. Last evaluated: 2025-06-12. Review status: criteria provided, single submitter. Criteria: Invitae Variant Classification Sherloc (09022015). Collection method: clinical testing. Allele origin: germline.
Comment: This sequence change replaces valine, which is neutral and non-polar, with isoleucine, which is neutral and non-polar, at codon 459 of the CD2AP protein (p.Val459Ile). This variant is not present in population databases (gnomAD no frequency). This variant has not been reported in the literature in individuals affected with CD2AP-related conditions. ClinVar contains an entry for this variant (Variation ID: 1446688). Invitae Evidence Modeling of protein sequence and biophysical properties (such as structural, functional, and spatial information, amino acid conservation, physicochemical variation, residue mobility, and thermodynamic stability) indicates that this missense variant is not expected to disrupt CD2AP protein function with a negative predictive value of 80%. In summary, the available evidence is currently insufficient to determine the role of this variant in disease. Therefore, it has been classified as a Variant of Uncertain Significance.

NM_012120.3(CD2AP):c.1375G>A (p.Val459Ile)

Gene: CD2AP (CD2 associated protein; plus strand). Cytogenetic location: 6p12.3.
Variant type: single nucleotide variant.
Coding change: c.1375G>A on transcript NM_012120.3 (MANE Select); coding-DNA position 1375, G replaced by A.
Protein change: p.Val459Ile; replaces valine 459 with isoleucine.
Molecular consequence: missense variant.
Genome position (GRCh38, 1-based): chr6:47,599,401, G>A. VCF-style: chr6-47599401-G-A. GRCh37 (hg19) VCF-style: chr6-47567137-G-A.
Other names: short protein forms V459I.
Identifiers: ClinVar variation 1446688 (VCV001446688.6), dbSNP rs774081495, ClinGen allele CA363939632.
Genomic context (GRCh38, chr6:47,599,401, plus strand): 5'-ACTGAGCCAGTATCAAAACTAAAGCTAGATTCTGAACAGCTGCCCCTTAGACCAAAATCA[G>A]TAGACTTTGATTCACTTACAGTAAGGACCTCCAAAGAAACAGGTAAGTCAGCATGGACAG-3'
Protein context (NP_036252.1, residues 449-469): SEQLPLRPKS[Val459Ile]DFDSLTVRTS